The following is an entry in ClinVar:

NM_005120.3(MED12):c.5981G>A (p.Arg1994Gln)

Gene: MED12 (mediator complex subunit 12; plus strand). Cytogenetic location: Xq13.1.
Variant type: single nucleotide variant.
Coding change: c.5981G>A on transcript NM_005120.3 (MANE Select); coding-DNA position 5981, G replaced by A.
Protein change: p.Arg1994Gln; replaces arginine 1994 with glutamine.
Molecular consequence: missense variant.
Genome position (GRCh38, 1-based): chrX:71,137,880, G>A. VCF-style: chrX-71137880-G-A. GRCh37 (hg19) VCF-style: chrX-70357730-G-A.
Other names: short protein forms R1994Q.
Identifiers: ClinVar variation 1648730 (VCV001648730.11), dbSNP rs750926172, ClinGen allele CA10444856.

ClinVar aggregate classification (germline): Conflicting classifications of pathogenicity. Review status: criteria provided, conflicting classifications (1 of 4 stars). 3 submissions from 3 submitters: Uncertain significance (1); Likely benign (2). Last evaluated 2025-12-26.

Conditions:
FG syndrome (FGS). Identifiers: MedGen C0220769, MONDO:0002010.
Familial thoracic aortic aneurysm and aortic dissection (TAAD). Also called: Thoracic aortic aneurysms and dissections. Identifiers: Orphanet 91387, MedGen C4707243, MONDO:0019625.

Allele frequency attached by ClinVar (database versions not stated): gnomAD exomes 0.00004 and 0.00007; ExAC 0.00005.
gnomAD v4.1: 77 of 1,211,332 alleles (0.0064%); highest among the groups gnomAD compares: Non-Finnish European, 0.0083%; no homozygotes.

Submissions (3):

Labcorp Genetics (formerly Invitae), Labcorp
Classification: Likely benign for FG syndrome. Last evaluated: 2025-12-26. Review status: criteria provided, single submitter. Criteria: Invitae Variant Classification Sherloc (09022015). Collection method: clinical testing. Allele origin: germline.

GeneDx
Classification: Uncertain significance. Last evaluated: 2024-02-20. Review status: criteria provided, single submitter. Criteria: GeneDx Variant Classification Process June 2021. Collection method: clinical testing. Allele origin: germline. Affected: yes.
Comment: Has not been previously published as pathogenic or benign to our knowledge; In silico analysis supports that this missense variant does not alter protein structure/function

Ambry Genetics
Classification: Likely benign for Familial thoracic aortic aneurysm and aortic dissection. Last evaluated: 2022-09-07. Review status: criteria provided, single submitter. Criteria: Ambry Variant Classification Scheme 2023. Collection method: clinical testing. Allele origin: germline.